The following is an entry in ClinVar:

NM_001371623.1(TCOF1):c.2560G>A (p.Val854Met)

Gene: TCOF1 (treacle ribosome biogenesis factor 1; plus strand). Cytogenetic location: 5q32.
Variant type: single nucleotide variant.
Coding change: c.2560G>A on transcript NM_001371623.1 (MANE Select); coding-DNA position 2560, G replaced by A.
Protein change: p.Val854Met; replaces valine 854 with methionine.
Molecular consequence: missense variant.
Genome position (GRCh38, 1-based): chr5:150,379,310, G>A. VCF-style: chr5-150379310-G-A. GRCh37 (hg19) VCF-style: chr5-149758873-G-A.
Other names: c.2329G>A, p.Val777Met (NM_000356.4, NM_001135245.2); c.2560G>A, p.Val854Met (NM_001008657.3, NM_001135243.2, NM_001135244.2 and 1 more transcripts); c.2560G>A (NM_001135243.1); short protein forms V777M, V854M.
Identifiers: ClinVar variation 2042155 (VCV002042155.6), dbSNP rs764057067, ClinGen allele CA3511199.
Genomic context (GRCh38, chr5:150,379,310, plus strand): 5'-CCCCAGAACAGTACCGTCTTGGCGAGGGGCCCAGCATCTGTGCCATCTGTGGGGAAGGCC[G>A]TGGCTACAGCAGCTCAGGCCCAGACAGGGCCAGAGGAGGACTCAGGGAGCAGTGAGGAGG-3'
Protein context (NP_001358552.1, residues 844-864): PASVPSVGKA[Val854Met]ATAAQAQTGP

ClinVar aggregate classification (germline): Uncertain significance. Review status: criteria provided, multiple submitters, no conflicts (2 of 4 stars). 3 submissions from 3 submitters: Uncertain significance (3). Last evaluated 2025-07-31.

Conditions:
Inborn genetic diseases. Identifiers: MedGen C0950123, MeSH D030342.
Treacher Collins syndrome 1 (TCS1). Also called: TCOF1-Related Treacher Collins Syndrome. Identifiers: Orphanet 861, MedGen CN315775, MONDO:0007944, OMIM 154500.

Allele frequency attached by ClinVar (database versions not stated): gnomAD 0.00001; ExAC 0.00002; TOPMed 0.00003.
gnomAD v4.1: 21 of 1,614,112 alleles (0.0013%); highest among the groups gnomAD compares: Admixed American, 0.005%; no homozygotes.

Submissions (3):

Labcorp Genetics (formerly Invitae), Labcorp
Classification: Uncertain significance for Treacher Collins syndrome 1. Last evaluated: 2025-07-31. Review status: criteria provided, single submitter. Criteria: Invitae Variant Classification Sherloc (09022015). Collection method: clinical testing. Allele origin: germline.
Comment: This sequence change replaces valine, which is neutral and non-polar, with methionine, which is neutral and non-polar, at codon 854 of the TCOF1 protein (p.Val854Met). This variant is present in population databases (rs764057067, gnomAD 0.005%). This variant has not been reported in the literature in individuals affected with TCOF1-related conditions. ClinVar contains an entry for this variant (Variation ID: 2042155). Invitae Evidence Modeling of protein sequence and biophysical properties (such as structural, functional, and spatial information, amino acid conservation, physicochemical variation, residue mobility, and thermodynamic stability) indicates that this missense variant is not expected to disrupt TCOF1 protein function with a negative predictive value of 80%. In summary, the available evidence is currently insufficient to determine the role of this variant in disease. Therefore, it has been classified as a Variant of Uncertain Significance.

Ambry Genetics
Classification: Uncertain significance for Inborn genetic diseases. Last evaluated: 2023-12-15. Review status: criteria provided, single submitter. Criteria: Ambry Variant Classification Scheme 2023. Collection method: clinical testing. Allele origin: germline.

GeneDx
Classification: Uncertain significance. Last evaluated: 2023-03-08. Review status: criteria provided, single submitter. Criteria: GeneDx Variant Classification Process June 2021. Collection method: clinical testing. Allele origin: germline. Affected: yes.
Comment: In silico analysis supports that this missense variant does not alter protein structure/function; Has not been previously published as pathogenic or benign to our knowledge